The following is an entry in ClinVar:

NM_000169.3(GLA):c.548-1G>A

Genes: GLA (galactosidase alpha; minus strand), RPL36A-HNRNPH2 (RPL36A-HNRNPH2 readthrough; plus strand). Cytogenetic location: Xq22.1.
Variant type: single nucleotide variant.
Coding change: c.548-1G>A on transcript NM_000169.3 (MANE Select); the canonical splice acceptor site of the intron before coding-DNA position 548, G replaced by A.
Molecular consequence: splice acceptor variant. On other transcripts: intron variant (2).
Genome position (GRCh38, 1-based): chrX:101,400,758, C>T on the plus strand (G>A on the coding strand, the complement: GLA is on the minus strand). VCF-style: chrX-101400758-C-T. GRCh37 (hg19) VCF-style: chrX-100655746-C-T.
Other names: c.548-1G>A (NM_001406748.1); c.300+5301C>T (NM_001199973.2); c.177+8936C>T (NM_001199974.2); c.671-1G>A (NM_001406747.1).
Identifiers: ClinVar variation 180838 (VCV000180838.4), dbSNP rs730880447, ClinGen allele CA021785.
Genomic context (GRCh38, chrX:101,400,758, plus strand): 5'-CACAGGAGTACACAATGCTTCTGCCAGTCCTATTCAGGGCCAAGGACATGTGCTTATAAC[C>T]TGTATGAGAAAACAATGGGTAAAATAAGGGAAAGAAATGAATTTCCAGCTGGGGCTATAT-3'

ClinVar aggregate classification (germline): Pathogenic. Review status: criteria provided, multiple submitters, no conflicts (2 of 4 stars). 2 submissions from 2 submitters: Pathogenic (2). Last evaluated 2026-09-08.

Conditions:
Fabry disease. Also called: ALPHA-GALACTOSIDASE A DEFICIENCY; ANDERSON-FABRY DISEASE; Fabry's disease; Ceramide trihexosidosis; Angiokeratoma corporis diffusum; CERAMIDE TRIHEXOSIDASE DEFICIENCY. Identifiers: Orphanet 324, MedGen C0002986, MONDO:0010526, OMIM 301500, HP:0001071. Disease mechanism: loss of function, Fabry disease is due to inactivating mutations in the X-linked GLA gene resulting in deficiency of the enzyme Alpha Galactosidase-A..

Submissions (2):

Genomenon, Inc
Classification: Pathogenic for Fabry disease. Last evaluated: 2026-09-08. Review status: criteria provided, single submitter. Criteria: Genomenon Sequence Variant Interpretation Standards - Updated. Collection method: curation. Allele origin: germline. Affected: yes.
Comment: GLA c.548-1G>A is a canonical splice variant affecting the acceptor splice site of intron 3. It is predicted to affect mRNA splicing, leading to a deleterious effect on the GLA protein. This variant has been observed in at least one proband with clinical features consistent with Fabry disease (PMID:32843101;30988410;18424138;1753437;20022777;27896103;12952834;39609713;15713906). The variant was found to segregate with disease in at least one affected family (PMID:12952834). A de novo occurrence of this variant has been observed in at least one affected individual (PMID:39609713). At least one splicing study has demonstrated that this variant results in aberrant splicing (PMID:1753437). It is absent or not present at a significant frequency in gnomAD. In conclusion, we classify GLA c.548-1G>A as a pathogenic variant.

GeneDx
Classification: Pathogenic. Last evaluated: 2014-07-31. Review status: criteria provided, single submitter. Criteria: GeneDx Variant Classification (06012015). Collection method: clinical testing. Allele origin: germline. Affected: yes.
Comment: The c.548-1 G>A mutation in the GLA gene has been reported previously in an individual with Fabry disease (Yokoi T et al., 1991). This mutation destroys the canonical splice acceptor site in intron 3 and is predicted to cause abnormal gene splicing. Other splice site mutations in the GLA gene have been reported in association with Fabry disease. In summary, c.548-1 G>A in the GLA gene is interpreted as a disease-causing mutation. The variant is found in CARDIOMYOPATHY panel(s).

Literature cited by the submitters: PubMed 32843101 (cited by Genomenon, Inc); PubMed 30988410 (cited by Genomenon, Inc); PubMed 18424138 (cited by Genomenon, Inc); PubMed 1753437 (cited by Genomenon, Inc); PubMed 20022777 (cited by Genomenon, Inc); PubMed 27896103 (cited by Genomenon, Inc); PubMed 12952834 (cited by Genomenon, Inc); PubMed 39609713 (cited by Genomenon, Inc); PubMed 15713906 (cited by Genomenon, Inc).